The following is an entry in ClinVar:

NM_018075.5(ANO10):c.1321del (p.Gln441fs)

Gene: ANO10 (anoctamin 10; minus strand). Cytogenetic location: 3p22.1.
Variant type: Deletion.
Coding change: c.1321del on transcript NM_018075.5 (MANE Select); coding-DNA position 1321, one base deleted (C; older notation c.1321delC).
Protein change: p.Gln441fs; shifts the reading frame from glutamine 441.
Molecular consequence: frameshift variant.
Genome position (GRCh38, 1-based): chr3:43,561,375, G deleted on the plus strand (C on the coding strand, the reverse complement: ANO10 is on the minus strand); the first of 3 consecutive G bases (chr3:43,561,375-43,561,377); deleting any one gives the same sequence. VCF-style (leftmost placement, unchanged base first): chr3-43561374-TG-T. GRCh37 (hg19) VCF-style: chr3-43602866-TG-T.
Other names: c.1321del, p.Gln441fs (NM_001204831.3, NM_001346463.2, NM_001346464.2 and 3 more transcripts); c.1123del, p.Gln375fs (NM_001204832.3, NM_001346466.2, NM_001346469.2); c.988del, p.Gln330fs (NM_001204833.3); c.751del, p.Gln251fs (NM_001204834.3); short protein forms Q251fs, Q330fs, Q375fs, Q441fs.
Identifiers: ClinVar variation 2865911 (VCV002865911.3), dbSNP rs2529110370, ClinGen allele CA2739278781.

ClinVar aggregate classification (germline): Pathogenic (1 of 4 stars; one submission).

Submission:

Labcorp Genetics (formerly Invitae), Labcorp
Classification: Pathogenic. Last evaluated: 2023-05-19. Review status: criteria provided, single submitter. Criteria: Invitae Variant Classification Sherloc (09022015). Collection method: clinical testing. Allele origin: germline.
Comment: This sequence change creates a premature translational stop signal (p.Gln441Argfs*23) in the ANO10 gene. It is expected to result in an absent or disrupted protein product. Loss-of-function variants in ANO10 are known to be pathogenic (PMID: 25089919). This variant is not present in population databases (gnomAD no frequency). This variant has not been reported in the literature in individuals affected with ANO10-related conditions. For these reasons, this variant has been classified as Pathogenic.

Literature cited by the submitters: PubMed 25089919.